The following is an entry in ClinVar:

NM_006445.4(PRPF8):c.6976del (p.Tyr2326fs)

Gene: PRPF8 (pre-mRNA processing factor 8; minus strand). Cytogenetic location: 17p13.3.
Variant type: Deletion.
Coding change: c.6976del on transcript NM_006445.4 (MANE Select); coding-DNA position 6976, one base deleted (T; older notation c.6976delT).
Protein change: p.Tyr2326fs; shifts the reading frame from tyrosine 2326.
Molecular consequence: frameshift variant.
Genome position (GRCh38, 1-based): chr17:1,650,834, A deleted on the plus strand (T on the coding strand, the reverse complement: PRPF8 is on the minus strand); the first of 3 consecutive A bases (chr17:1,650,834-1,650,836); deleting any one gives the same sequence. VCF-style (leftmost placement, unchanged base first): chr17-1650833-TA-T. GRCh37 (hg19) VCF-style: chr17-1554127-TA-T.
Other names: short protein forms Y2326fs.
Identifiers: ClinVar variation 1879354 (VCV001879354.30), dbSNP rs2543709562, ClinGen allele CA2580092433.

ClinVar aggregate classification (germline): Likely pathogenic. Review status: criteria provided, multiple submitters, no conflicts (2 of 4 stars). 2 submissions from 2 submitters: Likely pathogenic (2). Last evaluated 2022-11-01.

Conditions:
PRPF8-related disorder. Also called: PRPF8-related condition.

Submissions (2):

CeGaT Center for Human Genetics Tuebingen
Classification: Likely pathogenic. Last evaluated: 2022-11-01. Review status: criteria provided, single submitter. Criteria: CeGaT Center For Human Genetics Tuebingen Variant Classification Criteria Version 2. Collection method: clinical testing. Allele origin: germline. Affected: yes. Observed: 1 variant allele.
Comment: PRPF8: PVS1:Strong, PM2, PP4

Blueprint Genetics
Classification: Likely pathogenic for PRPF8-related disorders. Last evaluated: 2022-03-14. Review status: criteria provided, single submitter. Criteria: ACMG Guidelines, 2015. Collection method: clinical testing. Allele origin: germline. Affected: yes. Observed: 1 variant allele.